The following is an entry in ClinVar:

NM_001148.6(ANK2):c.3858T>A (p.Asn1286Lys)

Gene: ANK2 (ankyrin 2; plus strand). Cytogenetic location: 4q26.
Variant type: single nucleotide variant.
Coding change: c.3858T>A on transcript NM_001148.6 (MANE Select); coding-DNA position 3858, T replaced by A.
Protein change: p.Asn1286Lys; replaces asparagine 1286 with lysine.
Molecular consequence: missense variant.
Genome position (GRCh38, 1-based): chr4:113,339,287, T>A. VCF-style: chr4-113339287-T-A. GRCh37 (hg19) VCF-style: chr4-114260443-T-A.
Other names: c.3831T>A, p.Asn1277Lys (NM_001127493.3); c.3870T>A, p.Asn1290Lys (NM_001354225.2); c.3759T>A, p.Asn1253Lys (NM_001354228.2, NM_001354258.2); c.3837T>A, p.Asn1279Lys (NM_001354230.2); c.3900T>A, p.Asn1300Lys (NM_001354231.2, NM_001354242.2); c.3894T>A, p.Asn1298Lys (NM_001354232.2); c.3855T>A, p.Asn1285Lys (NM_001354235.2, NM_001354246.2, NM_001354265.2); c.3756T>A, p.Asn1252Lys (NM_001354236.2); and 31 more; short protein forms N1286K, N1277K, N1158K, N1186K, N1199K, N1219K, N1220K, N1239K.
Identifiers: ClinVar variation 581174 (VCV000581174.5), dbSNP rs1563885033, ClinGen allele CA357906792.

ClinVar aggregate classification (germline): Uncertain significance (1 of 4 stars; one submission).

Conditions:
Long QT syndrome (LQTS). Identifiers: MedGen C0023976, MeSH D008133, MONDO:0002442. Disease mechanism: loss of function. Inheritance: Various modes of inheritance.

Submission:

Labcorp Genetics (formerly Invitae), Labcorp
Classification: Uncertain significance for Long QT syndrome. Last evaluated: 2025-01-06. Review status: criteria provided, single submitter. Criteria: Invitae Variant Classification Sherloc (09022015). Collection method: clinical testing. Allele origin: germline.
Comment: This sequence change replaces asparagine, which is neutral and polar, with lysine, which is basic and polar, at codon 1286 of the ANK2 protein (p.Asn1286Lys). This variant is not present in population databases (gnomAD no frequency). This variant has not been reported in the literature in individuals affected with ANK2-related conditions. ClinVar contains an entry for this variant (Variation ID: 581174). An algorithm developed to predict the effect of missense changes on protein structure and function (PolyPhen-2) suggests that this variant is likely to be disruptive. In summary, the available evidence is currently insufficient to determine the role of this variant in disease. Therefore, it has been classified as a Variant of Uncertain Significance.